The following is an entry in ClinVar:

ClinVar aggregate classification (germline): Uncertain significance (1 of 4 stars; one submission).

Allele frequency attached by ClinVar (database versions not stated): gnomAD exomes 0.00001.
gnomAD v4.1: 16 of 1,608,836 alleles (0.00099%); highest among the groups gnomAD compares: Non-Finnish European, 0.0014%; no homozygotes.

Submission:

Labcorp Genetics (formerly Invitae), Labcorp
Classification: Uncertain significance. Last evaluated: 2023-07-10. Review status: criteria provided, single submitter. Criteria: Invitae Variant Classification Sherloc (09022015). Collection method: clinical testing. Allele origin: germline.
Comment: In summary, the available evidence is currently insufficient to determine the role of this variant in disease. Therefore, it has been classified as a Variant of Uncertain Significance. Experimental studies have shown that this missense change affects DDX58 function (PMID: 28250012). An algorithm developed to predict the effect of missense changes on protein structure and function (PolyPhen-2) suggests that this variant is likely to be tolerated. This variant has not been reported in the literature in individuals affected with DDX58-related conditions. This variant is present in population databases (no rsID available, gnomAD 0.0009%). This sequence change replaces lysine, which is basic and polar, with arginine, which is basic and polar, at codon 96 of the DDX58 protein (p.Lys96Arg).

Literature cited by the submitters: PubMed 28250012.

NM_014314.4(RIGI):c.287A>G (p.Lys96Arg)

Gene: RIGI (RNA sensor RIG-I; minus strand). Cytogenetic location: 9p21.1.
Variant type: single nucleotide variant.
Coding change: c.287A>G on transcript NM_014314.4 (MANE Select); coding-DNA position 287, A replaced by G.
Protein change: p.Lys96Arg; replaces lysine 96 with arginine.
Molecular consequence: missense variant. On other transcripts: 5 prime UTR variant (3).
Genome position (GRCh38, 1-based): chr9:32,493,897, T>C on the plus strand (A>G on the coding strand, the complement: RIGI is on the minus strand). VCF-style: chr9-32493897-T-C. GRCh37 (hg19) VCF-style: chr9-32493895-T-C.
Other names: c.287A>G, p.Lys96Arg (NM_001385907.1, NM_001385909.1, NM_001385913.1); c.-168A>G (NM_001385910.1, NM_001385914.1); c.-175A>G (NM_001385912.1); short protein forms K96R.
Identifiers: ClinVar variation 2966327 (VCV002966327.3), dbSNP rs1421240494, ClinGen allele CA373165360.